The following is an entry in ClinVar:

ClinVar aggregate classification (germline): Uncertain significance. Review status: criteria provided, multiple submitters, no conflicts (2 of 4 stars). 2 submissions from 2 submitters: Uncertain significance (2). Last evaluated 2024-10-01.

Conditions:
Inborn genetic diseases. Identifiers: MedGen C0950123, MeSH D030342.
Hereditary spastic paraplegia 49 (HSAN9). Also called: TECPR2-Related Hereditary Sensory and Autonomic Neuropathy with Intellectual Disability; Spastic paraplegia 49, autosomal recessive; NEUROPATHY, HEREDITARY SENSORY AND AUTONOMIC, TYPE IX, WITH DEVELOPMENTAL DELAY. Identifiers: Orphanet 320385, MedGen C5190860, MONDO:0014016, OMIM 615031.

Allele frequency attached by ClinVar (database versions not stated): gnomAD exomes 0.00003; ExAC 0.00005.

Submissions (2):

Ambry Genetics
Classification: Uncertain significance for Inborn genetic diseases. Last evaluated: 2024-10-01. Review status: criteria provided, single submitter. Criteria: Ambry Variant Classification Scheme 2023. Collection method: clinical testing. Allele origin: germline.

Labcorp Genetics (formerly Invitae), Labcorp
Classification: Uncertain significance for Hereditary spastic paraplegia 49. Last evaluated: 2022-02-17. Review status: criteria provided, single submitter. Criteria: Invitae Variant Classification Sherloc (09022015). Collection method: clinical testing. Allele origin: germline.
Comment: This sequence change replaces glycine, which is neutral and non-polar, with arginine, which is basic and polar, at codon 263 of the TECPR2 protein (p.Gly263Arg). This variant is present in population databases (rs758522721, gnomAD 0.01%). This variant has not been reported in the literature in individuals affected with TECPR2-related conditions. Algorithms developed to predict the effect of missense changes on protein structure and function (SIFT, PolyPhen-2, Align-GVGD) all suggest that this variant is likely to be tolerated. Algorithms developed to predict the effect of sequence changes on RNA splicing suggest that this variant may create or strengthen a splice site. In summary, the available evidence is currently insufficient to determine the role of this variant in disease. Therefore, it has been classified as a Variant of Uncertain Significance.

NM_014844.5(TECPR2):c.787G>A (p.Gly263Arg)

Gene: TECPR2 (tectonin beta-propeller repeat containing 2; plus strand). Cytogenetic location: 14q32.31.
Variant type: single nucleotide variant.
Coding change: c.787G>A on transcript NM_014844.5 (MANE Select); coding-DNA position 787, G replaced by A.
Protein change: p.Gly263Arg; replaces glycine 263 with arginine.
Molecular consequence: missense variant.
Genome position (GRCh38, 1-based): chr14:102,425,127, G>A. VCF-style: chr14-102425127-G-A. GRCh37 (hg19) VCF-style: chr14-102891464-G-A.
Other names: c.787G>A, p.Gly263Arg (NM_001172631.3); short protein forms G263R.
Identifiers: ClinVar variation 2018721 (VCV002018721.3), dbSNP rs758522721, ClinGen allele CA7357527.